The following is an entry in ClinVar:

NM_002693.3(POLG):c.3105-5C>T

Gene: POLG (DNA polymerase gamma, catalytic subunit; minus strand). Cytogenetic location: 15q26.1.
Variant type: single nucleotide variant.
Coding change: c.3105-5C>T on transcript NM_002693.3 (MANE Select); 5 bases into the intron before coding-DNA position 3105, C replaced by T.
Molecular consequence: intron variant.
Genome position (GRCh38, 1-based): chr15:89,319,104, G>A on the plus strand (C>T on the coding strand, the complement: POLG is on the minus strand). VCF-style: chr15-89319104-G-A. GRCh37 (hg19) VCF-style: chr15-89862335-G-A.
Other names: c.3105-5C>T (NM_001126131.2).
Identifiers: ClinVar variation 382489 (VCV000382489.10), dbSNP rs759708686, ClinGen allele CA7724228.
Genomic context (GRCh38, chr15:89,319,104, plus strand): 5'-CTGTGCCCCCCTTCCATGCCCGTTCAGCAACCACCTCCCACTTCTTCCACTGTGACCTAA[G>A]GGACCAGAAACAGAGGGCAGACTTTGTCTTTCAGCATCTCAAAGCTAAAAAACAAAGCAT-3'

ClinVar aggregate classification (germline): Likely benign. Review status: criteria provided, multiple submitters, no conflicts (2 of 4 stars). 2 submissions from 2 submitters: Likely benign (2). Last evaluated 2025-01-01.

Conditions:
Progressive sclerosing poliodystrophy (MTDPS4A). Also called: ALPERS PROGRESSIVE INFANTILE POLIODYSTROPHY; NEURONAL DEGENERATION OF CHILDHOOD WITH LIVER DISEASE, PROGRESSIVE; Alpers-Huttenlocher Syndrome (AHS); Alpers Syndrome; Mitochondrial DNA Depletion Syndrome 4A; ALPERS DIFFUSE DEGENERATION OF CEREBRAL GRAY MATTER WITH HEPATIC CIRRHOSIS. Identifiers: Orphanet 726, MedGen C0205710, MONDO:0008758, OMIM 203700.

Allele frequency attached by ClinVar (database versions not stated): gnomAD exomes below 0.00001; ExAC 0.00001; gnomAD 0.00001; TOPMed 0.00001.
gnomAD v4.1: 4 of 1,613,988 alleles (0.00025%); highest among the groups gnomAD compares: Admixed American, 0.0033%; no homozygotes.

Submissions (2):

Labcorp Genetics (formerly Invitae), Labcorp
Classification: Likely benign for Progressive sclerosing poliodystrophy. Last evaluated: 2025-01-01. Review status: criteria provided, single submitter. Criteria: Invitae Variant Classification Sherloc (09022015). Collection method: clinical testing. Allele origin: germline.

GeneDx
Classification: Likely benign. Last evaluated: 2015-12-24. Review status: criteria provided, single submitter. Criteria: GeneDx Variant Classification (06012015). Collection method: clinical testing. Allele origin: germline. Affected: yes.
Comment: This variant is considered likely benign or benign based on one or more of the following criteria: it is a conservative change, it occurs at a poorly conserved position in the protein, it is predicted to be benign by multiple in silico algorithms, and/or has population frequency not consistent with disease.